The following is an entry in ClinVar:

NM_147127.5(EVC2):c.3883T>C (p.Phe1295Leu)

Gene: EVC2 (EvC ciliary complex subunit 2; minus strand). Cytogenetic location: 4p16.2.
Variant type: single nucleotide variant.
Coding change: c.3883T>C on transcript NM_147127.5 (MANE Select); coding-DNA position 3883, T replaced by C.
Protein change: p.Phe1295Leu; replaces phenylalanine 1295 with leucine.
Molecular consequence: missense variant.
Genome position (GRCh38, 1-based): chr4:5,562,892, A>G on the plus strand (T>C on the coding strand, the complement: EVC2 is on the minus strand). VCF-style: chr4-5562892-A-G. GRCh37 (hg19) VCF-style: chr4-5564619-A-G.
Other names: c.3643T>C, p.Phe1215Leu (NM_001166136.2); short protein forms F1215L, F1295L.
Identifiers: ClinVar variation 3353219 (VCV003353219.2).

ClinVar aggregate classification (germline): Uncertain significance. Review status: criteria provided, single submitter (1 of 4 stars). 2 submissions from 2 submitters: Uncertain significance (1). 1 of the submissions does not count toward it. Last evaluated 2025-06-10.

Conditions:
EVC2-related disorder. Also called: EVC2-related condition.
Ellis-van Creveld syndrome (EVC). Also called: MESOECTODERMAL DYSPLASIA; EVC-Related Ellis-van Creveld Syndrome; EVC2-Related Ellis-van Creveld Syndrome; Chondroectodermal dysplasia. Identifiers: Orphanet 289, MedGen C0013903, MONDO:0009162, OMIM 225500.
Curry-Hall syndrome (WAD). Also called: WEYERS ACRODENTAL DYSOSTOSIS. Identifiers: Orphanet 952, MedGen C0457013, MONDO:0008673, OMIM 193530.

Submissions (2):

Labcorp Genetics (formerly Invitae), Labcorp
Classification: Uncertain significance for Curry-Hall syndrome; Ellis-van Creveld syndrome. Last evaluated: 2025-06-10. Review status: criteria provided, single submitter. Criteria: Invitae Variant Classification Sherloc (09022015). Collection method: clinical testing. Allele origin: germline.
Comment: This sequence change replaces phenylalanine, which is neutral and non-polar, with leucine, which is neutral and non-polar, at codon 1295 of the EVC2 protein (p.Phe1295Leu). This variant is present in population databases (rs373925106, gnomAD 0.004%). This variant has not been reported in the literature in individuals affected with EVC2-related conditions. ClinVar contains an entry for this variant (Variation ID: 3353219). An algorithm developed to predict the effect of missense changes on protein structure and function (PolyPhen-2) suggests that this variant is likely to be disruptive. In summary, the available evidence is currently insufficient to determine the role of this variant in disease. Therefore, it has been classified as a Variant of Uncertain Significance.

PreventionGenetics, part of Exact Sciences
Classification: Uncertain significance for EVC2-related condition. Last evaluated: 2024-07-27. Review status: no assertion criteria provided. Collection method: clinical testing. Allele origin: germline. Not counted in ClinVar's aggregate classification.
Comment: The EVC2 c.3883T>C variant is predicted to result in the amino acid substitution p.Phe1295Leu. To our knowledge, this variant has not been reported in the literature. This variant is reported in 0.0046% of alleles in individuals of European (Non-Finnish) descent in gnomAD. At this time, the clinical significance of this variant is uncertain due to the absence of conclusive functional and genetic evidence.